The following is an entry in ClinVar:

NM_000455.5(STK11):c.941C>T (p.Pro314Leu)

Gene: STK11 (serine/threonine kinase 11; plus strand). Cytogenetic location: 19p13.3.
Variant type: single nucleotide variant.
Coding change: c.941C>T on transcript NM_000455.5 (MANE Select); coding-DNA position 941, C replaced by T.
Protein change: p.Pro314Leu; replaces proline 314 with leucine.
Molecular consequence: missense variant.
Genome position (GRCh38, 1-based): chr19:1,223,005, C>T. VCF-style: chr19-1223005-C-T. GRCh37 (hg19) VCF-style: chr19-1223004-C-T.
Other names: short protein forms P314L.
Identifiers: ClinVar variation 422396 (VCV000422396.20), dbSNP rs1064795752, ClinGen allele CA16620755.

ClinVar aggregate classification (germline): Uncertain significance. Review status: criteria provided, multiple submitters, no conflicts (2 of 4 stars). 5 submissions from 5 submitters: Uncertain significance (5). Last evaluated 2025-03-05.

Conditions:
Hereditary cancer-predisposing syndrome. Also called: Hereditary neoplastic syndrome; Hereditary Cancer Syndrome; Neoplastic Syndromes, Hereditary; Tumor predisposition. Identifiers: Orphanet 140162, MedGen C0027672, MeSH D009386, MONDO:0015356.
Peutz-Jeghers syndrome (PJS). Also called: Peutz-Jeghers polyposis; Periorificial lentiginosis syndrome; POLYPOSIS, HAMARTOMATOUS INTESTINAL; POLYPS-AND-SPOTS SYNDROME. Identifiers: Orphanet 2869, MedGen C0031269, MeSH D010580, MONDO:0008280, OMIM 175200.

Allele frequency attached by ClinVar (database versions not stated): gnomAD exomes 0.00001.
gnomAD v4.1: 8 of 1,567,564 alleles (0.00051%); highest among the groups gnomAD compares: Non-Finnish European, 0.00061%; no homozygotes.

Submissions (5):

Ambry Genetics
Classification: Uncertain significance for Hereditary cancer-predisposing syndrome. Last evaluated: 2025-03-05. Review status: criteria provided, single submitter. Criteria: Ambry Variant Classification Scheme 2023. Collection method: clinical testing. Allele origin: germline.
Comment: The p.P314L variant (also known as c.941C>T), located in coding exon 8 of the STK11 gene, results from a C to T substitution at nucleotide position 941. The proline at codon 314 is replaced by leucine, an amino acid with similar properties. This amino acid position is well conserved in available vertebrate species. In addition, the in silico prediction for this alteration is inconclusive. Since supporting evidence is limited at this time, the clinical significance of this alteration remains unclear.

All of Us Research Program, National Institutes of Health
Classification: Uncertain significance for Peutz-Jeghers syndrome. Last evaluated: 2024-09-23. Review status: criteria provided, single submitter. Criteria: ACMG Guidelines, 2015. Collection method: clinical testing. Allele origin: germline. Inheritance: Autosomal dominant inheritance. Observed: 1 variant allele, 1 heterozygote.
Comment: This study involves interpretation of variants in research participants for the purpose of population health screening. Participant phenotype was not available at the time of variant classification. Additional details can be found in publication PMID: 35346344, PMCID: PMC8962531

Labcorp Genetics (formerly Invitae), Labcorp
Classification: Uncertain significance for Peutz-Jeghers syndrome. Last evaluated: 2023-06-23. Review status: criteria provided, single submitter. Criteria: Invitae Variant Classification Sherloc (09022015). Collection method: clinical testing. Allele origin: germline.
Comment: In summary, the available evidence is currently insufficient to determine the role of this variant in disease. Therefore, it has been classified as a Variant of Uncertain Significance. Advanced modeling of protein sequence and biophysical properties (such as structural, functional, and spatial information, amino acid conservation, physicochemical variation, residue mobility, and thermodynamic stability) has been performed at Invitae for this missense variant, however the output from this modeling did not meet the statistical confidence thresholds required to predict the impact of this variant on STK11 protein function. ClinVar contains an entry for this variant (Variation ID: 422396). This variant has not been reported in the literature in individuals affected with STK11-related conditions. The frequency data for this variant in the population databases is considered unreliable, as metrics indicate poor data quality at this position in the gnomAD database. This sequence change replaces proline, which is neutral and non-polar, with leucine, which is neutral and non-polar, at codon 314 of the STK11 protein (p.Pro314Leu).

Genome-Nilou Lab
Classification: Uncertain significance for Peutz-Jeghers syndrome. Last evaluated: 2021-07-15. Review status: criteria provided, single submitter. Criteria: ACMG Guidelines, 2015. Collection method: clinical testing. Allele origin: germline. Affected: no.

GeneDx
Classification: Uncertain significance. Last evaluated: 2018-12-03. Review status: criteria provided, single submitter. Criteria: GeneDx Variant Classification (06012015). Collection method: clinical testing. Allele origin: germline. Affected: yes.
Comment: This variant is denoted STK11 c.941C>T at the cDNA level, p.Pro314Leu (P314L) at the protein level, and results in the change of a Proline to a Leucine (CCT>CTT). This variant has not, to our knowledge, been published in the literature as a pathogenic or benign germline variant. STK11 Pro314Leu was not observed in large population cohorts (Lek 2016). This variant is located in the c-terminal domain (Daniell 2017). In silico analysis, which includes protein predictors and evolutionary conservation, supports a deleterious effect. Based on currently available evidence, it is unclear whether STK11 Pro314Leu is a pathogenic or benign variant. We consider it to be a variant of uncertain significance.